The following is an entry in ClinVar:

ClinVar aggregate classification (germline): Likely pathogenic (1 of 4 stars; one submission).

Conditions:
Autosomal recessive keratitis-ichthyosis-deafness syndrome. Also called: DESMONS SYNDROME; KID SYNDROME, AUTOSOMAL RECESSIVE; Ichthyosiform erythroderma, corneal involvement, and hearing loss. Identifiers: Orphanet 477, MedGen C1275089, MONDO:0009440, OMIM 242150.

Submission:

3billion
Classification: Likely pathogenic for Autosomal recessive keratitis-ichthyosis-deafness syndrome. Last evaluated: 2025-11-29. Review status: criteria provided, single submitter. Criteria: ACMG Guidelines, 2015. Collection method: clinical testing. Allele origin: germline. Affected: yes.
Comment: The variant is not observed in the gnomAD v4.1.0 dataset. Predicted Consequence/Location: Frameshift: predicted to result in a loss or disruption of normal protein function through nonsense-mediated decay (NMD) or protein truncation. Multiple pathogenic variants are reported downstream of the variant. Therefore, this variant is classified as Likely pathogenic according to the recommendation of ACMG/AMP guideline.

NM_001127.4(AP1B1):c.1568del (p.Gly523fs)

Gene: AP1B1 (adaptor related protein complex 1 subunit beta 1; minus strand). Cytogenetic location: 22q12.2.
Variant type: Deletion.
Coding change: c.1568del on transcript NM_001127.4 (MANE Select); coding-DNA position 1568, one base deleted (G; older notation c.1568delG).
Protein change: p.Gly523fs; shifts the reading frame from glycine 523.
Molecular consequence: frameshift variant.
Genome position (GRCh38, 1-based): chr22:29,341,729, C deleted on the plus strand (G on the coding strand, the reverse complement: AP1B1 is on the minus strand); the first of 2 consecutive C bases (chr22:29,341,729-29,341,730); deleting either gives the same sequence. VCF-style (leftmost placement, unchanged base first): chr22-29341728-GC-G. GRCh37 (hg19) VCF-style: chr22-29737717-GC-G.
Other names: c.1568del, p.Gly523fs (NM_001166019.2, NM_001378562.1, NM_001378563.1 and 2 more transcripts); c.1397del, p.Gly466fs (NM_001378564.1, NM_001378565.1); short protein forms G466fs, G523fs.
Identifiers: ClinVar variation 4854264 (VCV004854264.1).
Genomic context (GRCh38, chr22:29,341,728, plus strand): 5'-AGCCAACACCACCTCCTTGGCTGCCACCGGGTCCGTGGACAGCAGGCGCCAGTAGATGTA[GC>G]CACGGTCCCGCAGGTCTGGGTTATCTGAGTCCTTGTGGGGGTGAGGAGAAGCCCATGAAA-3'